The following is an entry in ClinVar:

NM_000238.4(KCNH2):c.64T>G (p.Phe22Val)

Gene: KCNH2 (potassium voltage-gated channel subfamily H member 2; minus strand). Cytogenetic location: 7q36.1.
Variant type: single nucleotide variant.
Coding change: c.64T>G on transcript NM_000238.4 (MANE Select); coding-DNA position 64, T replaced by G.
Protein change: p.Phe22Val; replaces phenylalanine 22 with valine.
Molecular consequence: missense variant.
Genome position (GRCh38, 1-based): chr7:150,977,850, A>C on the plus strand (T>G on the coding strand, the complement: KCNH2 is on the minus strand). VCF-style: chr7-150977850-A-C. GRCh37 (hg19) VCF-style: chr7-150674938-A-C.
Other names: c.64T>G, p.Phe22Val (NM_172056.3); short protein forms F22V.
Identifiers: ClinVar variation 1469978 (VCV001469978.12), dbSNP rs2117072572, ClinGen allele CA369866641.

ClinVar aggregate classification (germline): Uncertain significance. Review status: criteria provided, multiple submitters, no conflicts (2 of 4 stars). 3 submissions from 3 submitters: Uncertain significance (3). Last evaluated 2024-08-08.

Conditions:
Cardiovascular phenotype. Identifiers: MedGen CN230736.
Long QT syndrome (LQTS). Identifiers: MedGen C0023976, MeSH D008133, MONDO:0002442. Disease mechanism: loss of function. Inheritance: Various modes of inheritance.

Submissions (3):

All of Us Research Program, National Institutes of Health
Classification: Uncertain significance for Long QT syndrome. Last evaluated: 2024-08-08. Review status: criteria provided, single submitter. Criteria: ACMG Guidelines, 2015. Collection method: clinical testing. Allele origin: germline. Inheritance: Autosomal dominant inheritance. Observed: 3 variant alleles, 3 heterozygotes.
Comment: This study involves interpretation of variants in research participants for the purpose of population health screening. Participant phenotype was not available at the time of variant classification. Additional details can be found in publication PMID: 35346344, PMCID: PMC8962531

Ambry Genetics
Classification: Uncertain significance for Cardiovascular phenotype. Last evaluated: 2023-02-06. Review status: criteria provided, single submitter. Criteria: Ambry Variant Classification Scheme 2023. Collection method: clinical testing. Allele origin: germline.
Comment: The p.F22V variant (also known as c.64T>G), located in coding exon 1 of the KCNH2 gene, results from a T to G substitution at nucleotide position 64. The phenylalanine at codon 22 is replaced by valine, an amino acid with highly similar properties. This amino acid position is highly conserved in available vertebrate species. In addition, this alteration is predicted to be deleterious by in silico analysis. Since supporting evidence is limited at this time, the clinical significance of this alteration remains unclear.

Labcorp Genetics (formerly Invitae), Labcorp
Classification: Uncertain significance for Long QT syndrome. Last evaluated: 2021-06-01. Review status: criteria provided, single submitter. Criteria: Invitae Variant Classification Sherloc (09022015). Collection method: clinical testing. Allele origin: germline.
Comment: This sequence change replaces phenylalanine with valine at codon 22 of the KCNH2 protein (p.Phe22Val). The phenylalanine residue is weakly conserved and there is a small physicochemical difference between phenylalanine and valine. This variant is not present in population databases (ExAC no frequency). This variant has not been reported in the literature in individuals with KCNH2-related conditions. Algorithms developed to predict the effect of missense changes on protein structure and function are either unavailable or do not agree on the potential impact of this missense change (SIFT: "Deleterious"; PolyPhen-2: "Benign"; Align-GVGD: "Class C0"). Algorithms developed to predict the effect of sequence changes on RNA splicing suggest that this variant may create or strengthen a splice site, but this prediction has not been confirmed by published transcriptional studies. In summary, the available evidence is currently insufficient to determine the role of this variant in disease. Therefore, it has been classified as a Variant of Uncertain Significance.